The following is an entry in ClinVar:

ClinVar aggregate classification (germline): Uncertain significance (1 of 4 stars; one submission).

Conditions:
Epilepsy, childhood absence, susceptibility to, 1. Also called: Epilepsy, childhood absence 1. Identifiers: Orphanet 64280, MedGen C1838604, MONDO:0020759, OMIM 600131.
Epilepsy, childhood absence, susceptibility to, 5. Identifiers: Orphanet 64280, MedGen C2677087, MONDO:0012843, OMIM 612269.

Submission:

Labcorp Genetics (formerly Invitae), Labcorp
Classification: Uncertain significance for Epilepsy, childhood absence, susceptibility to, 5; Epilepsy, childhood absence, susceptibility to, 1. Last evaluated: 2023-11-24. Review status: criteria provided, single submitter. Criteria: Invitae Variant Classification Sherloc (09022015). Collection method: clinical testing. Allele origin: germline.
Comment: This sequence change replaces lysine, which is basic and polar, with threonine, which is neutral and polar, at codon 198 of the GABRB3 protein (p.Lys198Thr). This variant is not present in population databases (gnomAD no frequency). This variant has not been reported in the literature in individuals affected with GABRB3-related conditions. Advanced modeling of protein sequence and biophysical properties (such as structural, functional, and spatial information, amino acid conservation, physicochemical variation, residue mobility, and thermodynamic stability) performed at Invitae indicates that this missense variant is not expected to disrupt GABRB3 protein function with a negative predictive value of 95%. In summary, the available evidence is currently insufficient to determine the role of this variant in disease. Therefore, it has been classified as a Variant of Uncertain Significance.

NM_000814.6(GABRB3):c.593A>C (p.Lys198Thr)

Gene: GABRB3 (gamma-aminobutyric acid type A receptor subunit beta3; minus strand). Cytogenetic location: 15q12.
Variant type: single nucleotide variant.
Coding change: c.593A>C on transcript NM_000814.6 (MANE Select); coding-DNA position 593, A replaced by C.
Protein change: p.Lys198Thr; replaces lysine 198 with threonine.
Molecular consequence: missense variant.
Genome position (GRCh38, 1-based): chr15:26,580,408, T>G on the plus strand (A>C on the coding strand, the complement: GABRB3 is on the minus strand). VCF-style: chr15-26580408-T-G. GRCh37 (hg19) VCF-style: chr15-26825555-T-G.
Other names: c.338A>C, p.Lys113Thr (NM_001191320.2, NM_001278631.2); c.380A>C, p.Lys127Thr (NM_001191321.3); c.593A>C, p.Lys198Thr (NM_021912.5); short protein forms K113T, K127T, K198T.
Identifiers: ClinVar variation 2954194 (VCV002954194.3), dbSNP rs2504205169, ClinGen allele CA391464097.